The following is an entry in ClinVar:

ClinVar aggregate classification (germline): Pathogenic (1 of 4 stars; one submission).

Conditions:
Mowat-Wilson syndrome (MOWS). Also called: Classic Mowat-Wilson Syndrome. Identifiers: Orphanet 2152, MedGen C1856113, MONDO:0009341, OMIM 235730.

Submission:

Labcorp Genetics (formerly Invitae), Labcorp
Classification: Pathogenic for Mowat-Wilson syndrome. Last evaluated: 2022-05-09. Review status: criteria provided, single submitter. Criteria: Invitae Variant Classification Sherloc (09022015). Collection method: clinical testing. Allele origin: germline.
Comment: A gross deletion of the genomic region encompassing the full coding sequence of the ZEB2 gene has been identified. Loss-of-function variants in ZEB2 are known to be pathogenic (PMID: 16053902). The boundaries of this event are unknown as they extend beyond the assayed region for this gene and therefore may encompass additional genes. A similar copy number variant has been observed in individual(s) with Mowat-Wilson syndrome (PMID: 19842203, 29300384). For these reasons, this variant has been classified as Pathogenic.

Literature cited by the submitters: PubMed 16053902; PubMed 19842203; PubMed 29300384.

NC_000002.11:g.(?_145147018)_(145753167_?)del

Gene: ZEB2 (zinc finger E-box binding homeobox 2; minus strand). Cytogenetic location: 2q22.3.
Variant type: Deletion.
Identifiers: ClinVar variation 1072089 (VCV001072089.2).